The following is an entry in ClinVar:

NM_001371928.1(AHDC1):c.630_654del (p.Gly211fs)

Gene: AHDC1 (AT-hook DNA binding motif containing 1; minus strand). Cytogenetic location: 1p36.11.
Variant type: Deletion.
Coding change: c.630_654del on transcript NM_001371928.1 (MANE Select); coding-DNA positions 630 to 654, 25 bases deleted (TGGCCAAGGCCATAGTCCCGGAGCC).
Protein change: p.Gly211fs; shifts the reading frame from glycine 211.
Molecular consequence: frameshift variant.
Genome position (GRCh38, 1-based): chr1:27,551,462-27,551,486, GGCTCCGGGACTATGGCCTTGGCCA deleted on the plus strand (TGGCCAAGGCCATAGTCCCGGAGCC on the coding strand, the reverse complement: AHDC1 is on the minus strand); deleting any 25 consecutive bases within chr1:27,551,462-27,551,490 gives the same sequence; the c. name uses the placement nearest the transcript's 3' end. VCF-style (leftmost placement, unchanged base first): chr1-27551461-TGGCTCCGGGACTATGGCCTTGGCCA-T. GRCh37 (hg19) VCF-style: chr1-27877972-TGGCTCCGGGACTATGGCCTTGGCCA-T.
Other names: c.630_654del, p.Gly211fs (NM_001029882.3); short protein forms G211fs.
Identifiers: ClinVar variation 3725555 (VCV003725555.2).
Genomic context (GRCh38, chr1:27,551,461, plus strand): 5'-GTTCTGAGTAATCAGTGCTGTCTGGCTCAGGCTCTGGGGGCAGACCCGTGGCCGCAGCCG[TGGCTCCGGGACTATGGCCTTGGCCA>T]GGCTGGGGACTGTCCCTAGGCTCAGGCTCAGGCTCGTAGAGGGGATGGCTGGGCCGCTCC-3'

ClinVar aggregate classification (germline): Pathogenic (1 of 4 stars; one submission).

Submission:

Labcorp Genetics (formerly Invitae), Labcorp
Classification: Pathogenic. Last evaluated: 2024-11-19. Review status: criteria provided, single submitter. Criteria: Invitae Variant Classification Sherloc (09022015). Collection method: clinical testing. Allele origin: germline.
Comment: This sequence change creates a premature translational stop signal (p.Gly211Argfs*41) in the AHDC1 gene. It is expected to result in an absent or disrupted protein product. Loss-of-function variants in AHDC1 are known to be pathogenic (PMID: 24791903, 27148574). This variant is not present in population databases (gnomAD no frequency). This variant has not been reported in the literature in individuals affected with AHDC1-related conditions. For these reasons, this variant has been classified as Pathogenic.

Literature cited by the submitters: PubMed 24791903; PubMed 27148574.